The following is an entry in ClinVar:

ClinVar aggregate classification (germline): Uncertain significance (1 of 4 stars; one submission).

Conditions:
Hepatic methionine adenosyltransferase deficiency. Also called: MAT I/III DEFICIENCY; Methionine adenosyltransferase deficiency; Isolated Persistent Hypermethioninemia; Deficiency of methionine adenosyltransferase. Identifiers: Orphanet 168598, MedGen C0268621, MeSH C564683, MONDO:0009607, OMIM 250850.

Submission:

Labcorp Genetics (formerly Invitae), Labcorp
Classification: Uncertain significance for Hepatic methionine adenosyltransferase deficiency. Last evaluated: 2022-02-25. Review status: criteria provided, single submitter. Criteria: Invitae Variant Classification Sherloc (09022015). Collection method: clinical testing. Allele origin: germline.
Comment: In summary, the available evidence is currently insufficient to determine the role of this variant in disease. Therefore, it has been classified as a Variant of Uncertain Significance. Algorithms developed to predict the effect of missense changes on protein structure and function are either unavailable or do not agree on the potential impact of this missense change (SIFT: "Not Available"; PolyPhen-2: "Probably Damaging"; Align-GVGD: "Not Available"). This variant has not been reported in the literature in individuals affected with MAT1A-related conditions. Information on the frequency of this variant in the gnomAD database is not available, as this variant may be reported differently in the database. This variant, c.155_156delinsTG, is a complex sequence change that results in the deletion of 1 and insertion of 1 amino acid(s) in the MAT1A protein (p.Ala52Val).

NM_000429.3(MAT1A):c.155_156delinsTG (p.Ala52Val)

Gene: MAT1A (methionine adenosyltransferase 1A; minus strand). Cytogenetic location: 10q22.3.
Variant type: Indel.
Coding change: c.155_156delinsTG on transcript NM_000429.3 (MANE Select); coding-DNA positions 155 to 156, CC replaced by TG.
Protein change: p.Ala52Val; replaces alanine 52 with valine.
Molecular consequence: missense variant.
Genome position (GRCh38, 1-based): chr10:80,285,525-80,285,526, GG replaced by CA on the plus strand (CC replaced by TG on the coding strand, the reverse complement: MAT1A is on the minus strand). VCF-style: chr10-80285525-GG-CA. GRCh37 (hg19) VCF-style: chr10-82045281-GG-CA.
Other names: short protein forms A52V.
Identifiers: ClinVar variation 2089920 (VCV002089920.4), dbSNP rs2492507139, ClinGen allele CA2580082089.